The following is an entry in ClinVar:

NM_001365276.2(TNXB):c.7712A>T (p.Gln2571Leu)

Gene: TNXB (tenascin XB; minus strand). Cytogenetic location: 6p21.33.
Variant type: single nucleotide variant.
Coding change: c.7712A>T on transcript NM_001365276.2 (MANE Select); coding-DNA position 7712, A replaced by T.
Protein change: p.Gln2571Leu; replaces glutamine 2571 with leucine.
Molecular consequence: missense variant.
Genome position (GRCh38, 1-based): chr6:32,058,171, T>A on the plus strand (A>T on the coding strand, the complement: TNXB is on the minus strand). VCF-style: chr6-32058171-T-A. GRCh37 (hg19) VCF-style: chr6-32025948-T-A.
Other names: c.8453A>T, p.Gln2818Leu (NM_001428335.1); c.7712A>T, p.Gln2571Leu (NM_019105.8); short protein forms Q2571L, Q2818L.
Identifiers: ClinVar variation 4615185 (VCV004615185.1).

ClinVar aggregate classification (germline): Uncertain significance (1 of 4 stars; one submission).

Conditions:
Cardiovascular phenotype. Identifiers: MedGen CN230736.

gnomAD v4.1: 6 of 1,612,372 alleles (0.00037%); highest among the groups gnomAD compares: Non-Finnish European, 0.00051%; no homozygotes.

Submission:

Ambry Genetics
Classification: Uncertain significance for Cardiovascular phenotype. Last evaluated: 2025-11-25. Review status: criteria provided, single submitter. Criteria: Ambry Variant Classification Scheme 2023. Collection method: clinical testing. Allele origin: germline.
Comment: The p.Q2571L variant (also known as c.7712A>T), located in coding exon 21 of the TNXB gene, results from an A to T substitution at nucleotide position 7712. The glutamine at codon 2571 is replaced by leucine, an amino acid with dissimilar properties. This amino acid position is conserved. In addition, this alteration is predicted to be tolerated by in silico analysis. Based on the available evidence, the clinical significance of this variant remains unclear.